The following is an entry in ClinVar:

NM_004360.5(CDH1):c.1555C>T (p.Gln519Ter)

Gene: CDH1 (cadherin 1; plus strand). Cytogenetic location: 16q22.1.
Variant type: single nucleotide variant.
Coding change: c.1555C>T on transcript NM_004360.5 (MANE Select); coding-DNA position 1555, C replaced by T.
Protein change: p.Gln519Ter; replaces glutamine 519 with a stop codon.
Molecular consequence: nonsense. On other transcripts: 5 prime UTR variant (1).
Genome position (GRCh38, 1-based): chr16:68,815,749, C>T. VCF-style: chr16-68815749-C-T. GRCh37 (hg19) VCF-style: chr16-68849652-C-T.
Other names: c.1372C>T, p.Gln458Ter (NM_001317184.2); c.7C>T, p.Gln3Ter (NM_001317185.2); c.-265C>T (NM_001317186.2); short protein forms Q3*, Q458*, Q519*.
Identifiers: ClinVar variation 2583404 (VCV002583404.6), dbSNP rs773763544, ClinGen allele CA396463637.
Genomic context (GRCh38, chr16:68,815,749, plus strand): 5'-TTTGGCGTGGGCCAGGAAATCACATCCTACACTGCCCAGGAGCCAGACACATTTATGGAA[C>T]AGAAAATAACGTAAGTGTGAGGATTTTTCAACTGACTTGCAGCAACTGGTTATTTTATAT-3'

ClinVar aggregate classification (germline): Pathogenic. Review status: criteria provided, multiple submitters, no conflicts (2 of 4 stars). 3 submissions from 3 submitters: Pathogenic (3). Last evaluated 2026-07-22.

Conditions:
Hereditary diffuse gastric adenocarcinoma (HDGC). Also called: DIFFUSE GASTRIC AND LOBULAR BREAST CANCER SYNDROME. Identifiers: Orphanet 26106, MedGen C1708349, MONDO:0007648, OMIM 137215.
Hereditary cancer-predisposing syndrome. Also called: Hereditary neoplastic syndrome; Hereditary Cancer Syndrome; Neoplastic Syndromes, Hereditary; Tumor predisposition. Identifiers: Orphanet 140162, MedGen C0027672, MeSH D009386, MONDO:0015356.

Submissions (3):

Ambry Genetics
Classification: Pathogenic for Hereditary cancer-predisposing syndrome. Last evaluated: 2026-07-22. Review status: criteria provided, single submitter. Criteria: Ambry Variant Classification Scheme 2023. Collection method: clinical testing. Allele origin: germline.
Comment: The p.Q519* pathogenic mutation (also known as c.1555C>T), located in coding exon 10 of the CDH1 gene, results from a C to T substitution at nucleotide position 1555. This changes the amino acid from a glutamine to a stop codon within coding exon 10. This variant is considered to be rare based on population cohorts in the Genome Aggregation Database (gnomAD). This alteration is expected to result in loss of function by premature protein truncation or nonsense-mediated mRNA decay. As such, this alteration is interpreted as a disease-causing mutation.

Labcorp Genetics (formerly Invitae), Labcorp
Classification: Pathogenic for Hereditary diffuse gastric adenocarcinoma. Last evaluated: 2024-05-14. Review status: criteria provided, single submitter. Criteria: Invitae Variant Classification Sherloc (09022015). Collection method: clinical testing. Allele origin: germline.
Comment: This sequence change creates a premature translational stop signal (p.Gln519*) in the CDH1 gene. It is expected to result in an absent or disrupted protein product. Loss-of-function variants in CDH1 are known to be pathogenic (PMID: 15235021, 20373070). This variant is not present in population databases (gnomAD no frequency). This variant has not been reported in the literature in individuals affected with CDH1-related conditions. ClinVar contains an entry for this variant (Variation ID: 2583404). For these reasons, this variant has been classified as Pathogenic.

Myriad Genetics, Inc.
Classification: Pathogenic for Hereditary diffuse gastric adenocarcinoma. Last evaluated: 2023-06-14. Review status: criteria provided, single submitter. Criteria: Myriad Autosomal Dominant, Autosomal Recessive and X-Linked Classification Criteria (2023). Collection method: clinical testing. Allele origin: unknown.
Comment: This variant is considered pathogenic. This variant creates a termination codon and is predicted to result in premature protein truncation.

Literature cited by the submitters: PubMed 15235021 (cited by Labcorp Genetics (formerly Invitae), Labcorp); PubMed 20373070 (cited by Labcorp Genetics (formerly Invitae), Labcorp).